The following is an entry in ClinVar:

ClinVar aggregate classification (germline): Conflicting classifications of pathogenicity. Review status: criteria provided, conflicting classifications (1 of 4 stars). 7 submissions from 7 submitters: Uncertain significance (1); Benign (1); Likely benign (3). 2 of the submissions do not count toward it. Last evaluated 2025-12-08.

Conditions:
Hereditary cancer-predisposing syndrome. Also called: Hereditary neoplastic syndrome; Neoplastic Syndromes, Hereditary; Tumor predisposition; Hereditary Cancer Syndrome. Identifiers: Orphanet 140162, MedGen C0027672, MeSH D009386, MONDO:0015356.
Familial cancer of breast. Also called: BREAST CANCER, FAMILIAL; hereditary breast carcinoma; Hereditary breast cancer. Identifiers: Orphanet 227535, MedGen C0346153, MONDO:0016419, OMIM 114480. Disease mechanism: loss of function.
Fanconi anemia complementation group N. Also called: PALB2-Related Fanconi Anemia. Identifiers: Orphanet 84, MedGen C1835817, MONDO:0012565, OMIM 610832. Disease mechanism: loss of function.

Allele frequency attached by ClinVar (database versions not stated): gnomAD exomes below 0.00001; gnomAD 0.00001; TOPMed 0.00001.
gnomAD v4.1: 8 of 1,614,056 alleles (0.0005%); highest among the groups gnomAD compares: Non-Finnish European, 0.00068%; no homozygotes.

Submissions (7):

Labcorp Genetics (formerly Invitae), Labcorp
Classification: Likely benign for Familial cancer of breast. Last evaluated: 2025-12-08. Review status: criteria provided, single submitter. Criteria: Invitae Variant Classification Sherloc (09022015). Collection method: clinical testing. Allele origin: germline.

Myriad Genetics, Inc.
Classification: Benign for Familial cancer of breast. Last evaluated: 2025-01-22. Review status: criteria provided, single submitter. Criteria: Myriad Autosomal Dominant, Autosomal Recessive and X-Linked Classification Criteria (2023). Collection method: clinical testing. Allele origin: unknown.
Comment: This variant is considered benign. This variant is a silent/synonymous amino acid change and it is not expected to impact splicing.

Ambry Genetics
Classification: Likely benign for Hereditary cancer-predisposing syndrome. Last evaluated: 2018-04-05. Review status: criteria provided, single submitter. Criteria: Ambry Variant Classification Scheme 2023. Collection method: clinical testing. Allele origin: germline.

Illumina Laboratory Services, Illumina
Classification: Uncertain significance for Fanconi anemia complementation group N. Last evaluated: 2018-01-12. Review status: criteria provided, single submitter. Criteria: ICSL Variant Classification Criteria 13 December 2019. Collection method: clinical testing. Allele origin: germline.

GeneDx
Classification: Likely benign. Last evaluated: 2017-06-28. Review status: criteria provided, single submitter. Criteria: GeneDx Variant Classification (06012015). Collection method: clinical testing. Allele origin: germline. Affected: yes.
Comment: This variant is considered likely benign or benign based on one or more of the following criteria: it is a conservative change, it occurs at a poorly conserved position in the protein, it is predicted to be benign by multiple in silico algorithms, and/or has population frequency not consistent with disease.

Clinical Genetics DNA and cytogenetics Diagnostics Lab, Erasmus MC, Erasmus Medical Center
Classification: Likely benign. Review status: no assertion criteria provided. Collection method: clinical testing. Allele origin: germline. Affected: yes. Study: VKGL Data-share Consensus. Not counted in ClinVar's aggregate classification.

Laboratory of Diagnostic Genome Analysis, Leiden University Medical Center (LUMC)
Classification: Likely benign. Review status: no assertion criteria provided. Collection method: clinical testing. Allele origin: germline. Affected: yes. Study: VKGL Data-share Consensus. Not counted in ClinVar's aggregate classification.

NM_024675.4(PALB2):c.3394T>C (p.Leu1132=)

Gene: PALB2 (partner and localizer of BRCA2; minus strand). Cytogenetic location: 16p12.2.
Variant type: single nucleotide variant.
Coding change: c.3394T>C on transcript NM_024675.4 (MANE Select); coding-DNA position 3394, T replaced by C.
Protein change: p.Leu1132=; no amino-acid change (leucine 1132 retained).
Molecular consequence: synonymous variant.
Genome position (GRCh38, 1-based): chr16:23,603,626, A>G on the plus strand (T>C on the coding strand, the complement: PALB2 is on the minus strand). VCF-style: chr16-23603626-A-G. GRCh37 (hg19) VCF-style: chr16-23614947-A-G.
Identifiers: ClinVar variation 460993 (VCV000460993.22), dbSNP rs1282821765, ClinGen allele CA494173743.